The following is an entry in ClinVar:

NC_000017.11:g.47253717G>C

Genes: ITGB3 (integrin subunit beta 3; plus strand), LOC130061041 (ATAC-STARR-seq lymphoblastoid silent region 8624; plus strand). Cytogenetic location: 17q21.32.
Variant type: single nucleotide variant.
Genome position: GRCh38 VCF-style: chr17-47253717-G-C. GRCh37 (hg19) VCF-style: chr17-45331083-G-C.
Identifiers: ClinVar variation 1166445 (VCV001166445.12), dbSNP rs55827077, ClinGen allele CA14404842.

ClinVar aggregate classification (germline): Benign. Review status: criteria provided, multiple submitters, no conflicts (2 of 4 stars). 3 submissions from 3 submitters: Benign (3). Last evaluated 2021-02-20.

Allele frequency attached by ClinVar (database versions not stated): gnomAD exomes 0.19496; gnomAD 0.22645 and 0.23011; TOPMed 0.23483; 1000 Genomes Project 30x 0.29450; 1000 Genomes Project 0.30092.

Submissions (3):

Labcorp Genetics (formerly Invitae), Labcorp
Classification: Benign. Last evaluated: 2021-02-20. Review status: criteria provided, single submitter. Criteria: Invitae Variant Classification Sherloc (09022015). Collection method: clinical testing. Allele origin: germline.

GeneDx
Classification: Benign. Last evaluated: 2018-11-12. Review status: criteria provided, single submitter. Criteria: GeneDx Variant Classification Process June 2021. Collection method: clinical testing. Allele origin: germline. Affected: yes.
Comment: This variant is associated with the following publications: (PMID: 30535103)

Breakthrough Genomics
Classification: Benign. Review status: criteria provided, single submitter. Criteria: ACMG Guidelines, 2015. Collection method: not provided. Allele origin: germline. Inheritance: Autosomal recessive inheritance. Affected: yes.